The following is an entry in ClinVar:

NM_001211.6(BUB1B):c.1375A>G (p.Thr459Ala)

Gene: BUB1B (BUB1 mitotic checkpoint serine/threonine kinase B; plus strand). Cytogenetic location: 15q15.1.
Variant type: single nucleotide variant.
Coding change: c.1375A>G on transcript NM_001211.6 (MANE Select); coding-DNA position 1375, A replaced by G.
Protein change: p.Thr459Ala; replaces threonine 459 with alanine.
Molecular consequence: missense variant.
Genome position (GRCh38, 1-based): chr15:40,199,701, A>G. VCF-style: chr15-40199701-A-G. GRCh37 (hg19) VCF-style: chr15-40491902-A-G.
Other names: short protein forms T459A.
Identifiers: ClinVar variation 1771130 (VCV001771130.2), dbSNP rs1595527859, ClinGen allele CA391689123.

ClinVar aggregate classification (germline): Uncertain significance (1 of 4 stars; one submission).

Conditions:
Inborn genetic diseases. Identifiers: MedGen C0950123, MeSH D030342.

gnomAD v4.1: 1 of 1,613,736 alleles (0.000062%); no homozygotes.

Submission:

Ambry Genetics
Classification: Uncertain significance for Inborn genetic diseases. Last evaluated: 2021-06-28. Review status: criteria provided, single submitter. Criteria: Ambry Variant Classification Scheme 2023. Collection method: clinical testing. Allele origin: germline.
Comment: The p.T459A variant (also known as c.1375A>G), located in coding exon 10 of the BUB1B gene, results from an A to G substitution at nucleotide position 1375. The threonine at codon 459 is replaced by alanine, an amino acid with similar properties. This amino acid position is conserved. In addition, this alteration is predicted to be tolerated by in silico analysis. Since supporting evidence is limited at this time, the clinical significance of this alteration remains unclear.